The following is an entry in ClinVar:

NM_173628.4(DNAH17):c.8801T>C (p.Val2934Ala)

Gene: DNAH17 (dynein axonemal heavy chain 17; minus strand). Cytogenetic location: 17q25.3.
Variant type: single nucleotide variant.
Coding change: c.8801T>C on transcript NM_173628.4 (MANE Select); coding-DNA position 8801, T replaced by C.
Protein change: p.Val2934Ala; replaces valine 2934 with alanine.
Molecular consequence: missense variant.
Genome position (GRCh38, 1-based): chr17:78,466,794, A>G on the plus strand (T>C on the coding strand, the complement: DNAH17 is on the minus strand). VCF-style: chr17-78466794-A-G. GRCh37 (hg19) VCF-style: chr17-76462876-A-G.
Other names: short protein forms V2934A.
Identifiers: ClinVar variation 2367671 (VCV002367671.4), dbSNP rs201279263, ClinGen allele CA8801637.

ClinVar aggregate classification (germline): Uncertain significance. Review status: criteria provided, single submitter (1 of 4 stars). 2 submissions from 2 submitters: Uncertain significance (1). 1 of the submissions does not count toward it. Last evaluated 2022-11-17.

Conditions:
Inborn genetic diseases. Identifiers: MedGen C0950123, MeSH D030342.
DNAH17-related disorder. Also called: DNAH17-related condition.

Allele frequency attached by ClinVar (database versions not stated): gnomAD exomes 0.00003; ExAC 0.00021; 1000 Genomes Project 30x 0.00031; 1000 Genomes Project 0.00040; ESP Exome Variant Server 0.00047; gnomAD 0.00059; TOPMed 0.00061.
gnomAD v4.1: 136 of 1,597,570 alleles (0.0085%); highest among the groups gnomAD compares: African/African-American, 0.17%; no homozygotes.

Submissions (2):

Ambry Genetics
Classification: Uncertain significance for Inborn genetic diseases. Last evaluated: 2022-11-17. Review status: criteria provided, single submitter. Criteria: Ambry Variant Classification Scheme 2023. Collection method: clinical testing. Allele origin: germline.

PreventionGenetics, part of Exact Sciences
Classification: Likely benign for DNAH17-related condition. Last evaluated: 2022-05-02. Review status: no assertion criteria provided. Collection method: clinical testing. Allele origin: germline. Not counted in ClinVar's aggregate classification.
Comment: This variant is classified as likely benign based on ACMG/AMP sequence variant interpretation guidelines (Richards et al. 2015 PMID: 25741868, with internal and published modifications).